The following is an entry in ClinVar:

NM_002691.4(POLD1):c.367C>T (p.Pro123Ser)

Gene: POLD1 (DNA polymerase delta 1, catalytic subunit; plus strand). Cytogenetic location: 19q13.33.
Variant type: single nucleotide variant.
Coding change: c.367C>T on transcript NM_002691.4 (MANE Select); coding-DNA position 367, C replaced by T.
Protein change: p.Pro123Ser; replaces proline 123 with serine.
Molecular consequence: missense variant. On other transcripts: non-coding transcript variant (1).
Genome position (GRCh38, 1-based): chr19:50,401,828, C>T. VCF-style: chr19-50401828-C-T. GRCh37 (hg19) VCF-style: chr19-50905085-C-T.
Other names: c.367C>T, p.Pro123Ser (NM_001256849.1, NM_001308632.1); c.367C>T (NM_002691.2); short protein forms P123S.
Identifiers: ClinVar variation 407970 (VCV000407970.19), dbSNP rs761127022, ClinGen allele CA9595714.

ClinVar aggregate classification (germline): Uncertain significance. Review status: criteria provided, multiple submitters, no conflicts (2 of 4 stars). 4 submissions from 4 submitters: Uncertain significance (4). Last evaluated 2026-01-23.

Conditions:
Adenomatous polyp of colon. Also called: Adenomatous colon polyp. Identifiers: MedGen C0850572, MONDO:0006498.
POLD1-related polyposis and colorectal cancer syndrome (CRCS10). Also called: Colorectal cancer, susceptibility to, 10; Colorectal cancer 10; COLORECTAL CANCER, SUSCEPTIBILITY TO, ON CHROMOSOME 19q. Identifiers: Orphanet 220460, MedGen C2675481, MONDO:0012953, OMIM 612591.
Mandibular hypoplasia-deafness-progeroid syndrome. Also called: Mandibular hypoplasia, deafness, progeroid features, and lipodystrophy syndrome. Identifiers: Orphanet 363649, MedGen C3715192, MONDO:0014157, OMIM 615381.
Hereditary cancer-predisposing syndrome. Also called: Neoplastic Syndromes, Hereditary; Hereditary neoplastic syndrome; Hereditary Cancer Syndrome; Tumor predisposition. Identifiers: Orphanet 140162, MedGen C0027672, MeSH D009386, MONDO:0015356.

Allele frequency attached by ClinVar (database versions not stated): TOPMed 0.00001; gnomAD 0.00002.
gnomAD v4.1: 15 of 1,613,694 alleles (0.00093%); highest among the groups gnomAD compares: Non-Finnish European, 0.0013%; no homozygotes.

Submissions (4):

Labcorp Genetics (formerly Invitae), Labcorp
Classification: Uncertain significance for POLD1-related polyposis and colorectal cancer syndrome. Last evaluated: 2026-01-23. Review status: criteria provided, single submitter. Criteria: Invitae Variant Classification Sherloc (09022015). Collection method: clinical testing. Allele origin: germline.
Comment: This sequence change replaces proline, which is neutral and non-polar, with serine, which is neutral and polar, at codon 123 of the POLD1 protein (p.Pro123Ser). This variant is present in population databases (rs761127022, gnomAD 0.004%). This variant has not been reported in the literature in individuals affected with POLD1-related conditions. ClinVar contains an entry for this variant (Variation ID: 407970). Invitae Evidence Modeling of protein sequence and biophysical properties (such as structural, functional, and spatial information, amino acid conservation, physicochemical variation, residue mobility, and thermodynamic stability) indicates that this missense variant is not expected to disrupt POLD1 protein function with a negative predictive value of 80%. In summary, the available evidence is currently insufficient to determine the role of this variant in disease. Therefore, it has been classified as a Variant of Uncertain Significance.

Ambry Genetics
Classification: Uncertain significance for Hereditary cancer-predisposing syndrome. Last evaluated: 2024-12-23. Review status: criteria provided, single submitter. Criteria: Ambry Variant Classification Scheme 2023. Collection method: clinical testing. Allele origin: germline.
Comment: The p.P123S variant (also known as c.367C>T), located in coding exon 3 of the POLD1 gene, results from a C to T substitution at nucleotide position 367. The proline at codon 123 is replaced by serine, an amino acid with similar properties. This amino acid position is highly conserved in available vertebrate species. In addition, this alteration is predicted to be tolerated by in silico analysis. Based on the available evidence, the clinical significance of this variant remains unclear.

GeneDx
Classification: Uncertain significance. Last evaluated: 2024-03-21. Review status: criteria provided, single submitter. Criteria: GeneDx Variant Classification Process June 2021. Collection method: clinical testing. Allele origin: germline. Affected: yes.
Comment: Not observed at significant frequency in large population cohorts (gnomAD); In silico analysis supports that this missense variant has a deleterious effect on protein structure/function; Has not been previously published as pathogenic or benign to our knowledge

MGZ Medical Genetics Center
Classification: Uncertain significance for POLD1-related polyposis and colorectal cancer syndrome. Last evaluated: 2022-07-18. Review status: criteria provided, single submitter. Criteria: ACMG Guidelines, 2015. Collection method: clinical testing. Allele origin: germline. Affected: yes. Observed: 1 variant allele.
Comment: ACMG criteria applied: PM2_SUP, BP4